The following is an entry in ClinVar:

NM_018344.6(SLC29A3):c.1347G>A (p.Thr449=)

Gene: SLC29A3 (solute carrier family 29 member 3; plus strand). Cytogenetic location: 10q22.1.
Variant type: single nucleotide variant.
Coding change: c.1347G>A on transcript NM_018344.6 (MANE Select); coding-DNA position 1347, G replaced by A.
Protein change: p.Thr449=; no amino-acid change (threonine 449 retained).
Molecular consequence: synonymous variant. On other transcripts: non-coding transcript variant (2), 3 prime UTR variant (1).
Genome position (GRCh38, 1-based): chr10:71,362,527, G>A. VCF-style: chr10-71362527-G-A. GRCh37 (hg19) VCF-style: chr10-73122284-G-A.
Other names: c.*576G>A (NM_001174098.2); c.1113G>A, p.Thr371= (NM_001363518.2).
Identifiers: ClinVar variation 795626 (VCV000795626.17), dbSNP rs373404056, ClinGen allele CA5543188.

ClinVar aggregate classification (germline): Conflicting classifications of pathogenicity. Review status: criteria provided, conflicting classifications (1 of 4 stars). 4 submissions from 4 submitters: Uncertain significance (1); Likely benign (2). 1 of the submissions does not count toward it. Last evaluated 2025-11-02.

Conditions:
SLC29A3-related disorder. Also called: SLC29A3-related condition.
H syndrome. Also called: Pigmented hypertrichosis and insulin-dependent diabetes mellitus; HISTIOCYTOSIS AND LYMPHADENOPATHY WITH OR WITHOUT CUTANEOUS, CARDIAC, AND/OR ENDOCRINE FEATURES, JOINT CONTRACTURES, AND/OR DEAFNESS; HYPERPIGMENTATION, CUTANEOUS, WITH HYPERTRICHOSIS, HEPATOSPLENOMEGALY, HEART ANOMALIES, AND HYPOGONADISM WITH OR WITHOUT HEARING LOSS; PIGMENTED HYPERTRICHOSIS WITH INSULIN-DEPENDENT DIABETES MELLITUS; ROSAI-DORFMAN DISEASE, FAMILIAL; SINUS HISTIOCYTOSIS AND MASSIVE LYMPHADENOPATHY. Identifiers: Orphanet 168569, MedGen C1864445, MONDO:0011273, OMIM 602782.

Allele frequency attached by ClinVar (database versions not stated): ESP Exome Variant Server 0.00008; TOPMed 0.00009; gnomAD exomes 0.00012 and 0.00014; gnomAD 0.00013 and 0.00014; ExAC 0.00017.
gnomAD v4.1: 192 of 1,614,040 alleles (0.012%); highest among the groups gnomAD compares: South Asian, 0.033%; no homozygotes.

Submissions (4):

Labcorp Genetics (formerly Invitae), Labcorp
Classification: Likely benign for H syndrome. Last evaluated: 2025-11-02. Review status: criteria provided, single submitter. Criteria: Invitae Variant Classification Sherloc (09022015). Collection method: clinical testing. Allele origin: germline.

Blueprint Genetics
Classification: Likely benign. Last evaluated: 2024-10-28. Review status: criteria provided, single submitter. Criteria: ACMG Guidelines, 2015. Collection method: clinical testing. Allele origin: germline.

Illumina Laboratory Services, Illumina
Classification: Uncertain significance for H syndrome. Last evaluated: 2017-04-27. Review status: criteria provided, single submitter. Criteria: ICSL Variant Classification Criteria 13 December 2019. Collection method: clinical testing. Allele origin: germline.
Comment: This variant was observed as part of a predisposition screen in an ostensibly healthy population. A literature search was performed for the gene, cDNA change, and amino acid change (where applicable). Publications were found based on this search. However, the evidence from the literature, in combination with allele frequency data from public databases where available, was not sufficient to rule this variant in or out of causing disease. Therefore, this variant is classified as a variant of unknown significance.

PreventionGenetics, part of Exact Sciences
Classification: Likely benign for SLC29A3-related condition. Last evaluated: 2019-05-21. Review status: no assertion criteria provided. Collection method: clinical testing. Allele origin: germline. Not counted in ClinVar's aggregate classification.
Comment: This variant is classified as likely benign based on ACMG/AMP sequence variant interpretation guidelines (Richards et al. 2015 PMID: 25741868, with internal and published modifications).

Literature cited by the submitters: PubMed 20595384 (cited by Illumina Laboratory Services, Illumina).